The following is an entry in ClinVar:

NM_000277.3(PAH):c.442G>A (p.Gly148Ser)

Gene: PAH (phenylalanine hydroxylase; minus strand). Cytogenetic location: 12q23.2.
Variant type: single nucleotide variant.
Coding change: c.442G>A on transcript NM_000277.3 (MANE Select); coding-DNA position 442, G replaced by A.
Protein change: p.Gly148Ser; replaces glycine 148 with serine.
Molecular consequence: missense variant.
Genome position (GRCh38, 1-based): chr12:102,866,663, C>T on the plus strand (G>A on the coding strand, the complement: PAH is on the minus strand). VCF-style: chr12-102866663-C-T. GRCh37 (hg19) VCF-style: chr12-103260441-C-T.
Other names: c.442G>A, p.Gly148Ser (NM_001354304.2); short protein forms G148S.
Identifiers: ClinVar variation 102680 (VCV000102680.20), dbSNP rs80297647, ClinGen allele CA229551.

ClinVar aggregate classification (germline): Likely pathogenic. Review status: reviewed by expert panel (3 of 4 stars). 10 submissions from 10 submitters: Likely pathogenic (1). 9 of the submissions do not count toward it. Last evaluated 2019-12-22.

Conditions:
PAH-related disorder. Also called: PAH-related condition.
Phenylketonuria (PKU). Also called: Phenylketonurias; OLIGOPHRENIA PHENYLPYRUVICA; FOLLING DISEASE; Phenylketonuria (PKU). Identifiers: Orphanet 716, MedGen C0031485, MONDO:0009861, OMIM 261600. Disease mechanism: loss of function.

Allele frequency attached by ClinVar (database versions not stated): TOPMed below 0.00001; gnomAD exomes 0.00001.
gnomAD v4.1: 14 of 1,613,196 alleles (0.00087%); highest among the groups gnomAD compares: East Asian, 0.0022%; no homozygotes.

Submissions (10):

ClinGen PAH Variant Curation Expert Panel
Classification: Likely pathogenic for Phenylketonuria. Last evaluated: 2019-12-22. Review status: reviewed by expert panel. Criteria: ClinGen PAH ACMG Specifications v1. Collection method: curation. Allele origin: germline. Inheritance: Autosomal recessive inheritance.
Comment: The PAH variant c.442G>A (p.Gly148Ser) has been reported in three individuals with PHA deficiency (Phe levels >120 microM). The variant c.442G>A (p.Gly148Ser) was document with the pathogenic variant c.194T>C (p.Ile65Thr)(ClinVar ID: 636), and with the pathogenic variant c.473G>A (p.Arg158Gln)(ClinVar ID: 587) (PMID: 8535445). According to gnomAD, this variant is present at a low allele frequency in population databases, with the highest reported frequency in the African population (0.00006). In silico modeling predicts that this missense variant is damaging by SIFT, probably damaging by Polyphen 2 and disease causing by Mutation Taster. In summary, this variant meets criteria to be classified as likely pathogenic for PAH. PAH-specific ACMG/AMP criteria applied: PM2, PM3, PP3, and PP4 .

CeGaT Center for Human Genetics Tuebingen
Classification: Pathogenic. Last evaluated: 2026-07-01. Review status: criteria provided, single submitter. Criteria: CeGaT Center For Human Genetics Tuebingen Variant Classification Criteria Version 2. Collection method: clinical testing. Allele origin: germline. Affected: yes. Observed: 1 variant allele. Not counted in ClinVar's aggregate classification.
Comment: PAH: PM3:Very Strong, PM1, PM2, PM5, PP4:Moderate, PP3

Labcorp Genetics (formerly Invitae), Labcorp
Classification: Pathogenic for Phenylketonuria. Last evaluated: 2024-06-14. Review status: criteria provided, single submitter. Criteria: Invitae Variant Classification Sherloc (09022015). Collection method: clinical testing. Allele origin: germline. Not counted in ClinVar's aggregate classification.
Comment: This sequence change replaces glycine, which is neutral and non-polar, with serine, which is neutral and polar, at codon 148 of the PAH protein (p.Gly148Ser). This variant is present in population databases (rs80297647, gnomAD 0.007%). This missense change has been observed in individual(s) with phenylketonuria (PMID: 7726156, 8535445, 9012412, 10679941; Invitae). In at least one individual the data is consistent with being in trans (on the opposite chromosome) from a pathogenic variant. ClinVar contains an entry for this variant (Variation ID: 102680). An algorithm developed to predict the effect of missense changes on protein structure and function (PolyPhen-2) suggests that this variant is likely to be disruptive. For these reasons, this variant has been classified as Pathogenic.

Women's Health and Genetics/Laboratory Corporation of America, LabCorp
Classification: Likely pathogenic for Phenylketonuria. Last evaluated: 2022-08-19. Review status: criteria provided, single submitter. Criteria: LabCorp Variant Classification Summary - May 2015. Collection method: clinical testing. Allele origin: germline. Not counted in ClinVar's aggregate classification.
Comment: Variant summary: PAH c.442G>A (p.Gly148Ser) results in a non-conservative amino acid change located in the Aromatic amino acid hydroxylase, C-terminal (IPR019774) of the encoded protein sequence. Five of five in-silico tools predict a damaging effect of the variant on protein function. 4/4 computational tools predict no significant impact on normal splicing. However, these predictions have yet to be confirmed by functional studies. The variant allele was found at a frequency of 8e-06 in 251264 control chromosomes (gnomAD). c.442G>A has been reported in the literature in bi-allelic individuals affected with Phenylalanine Hydroxylase Deficiency (Phenylketonuria) (examples: Ramus_1995 and Hillert_2020). These data indicate that the variant is likely to be associated with disease. In addition, other missense variants in the same residue (G148R, G148D, G148V) have been reported in the Human Gene Mutation Database in association with Phenylalanine Hydroxylase Deficiency and G148D/V have been classified as likely pathogenic in ClinVar, supporting the functional importance of this residue of the protein. To our knowledge, no experimental evidence demonstrating an impact on protein function has been reported. Four submitters have provided clinical-significance assessments for this variant to ClinVar after 2014. Three submitters including an expert panel classified the variant as likely pathogenic and one classified as VUS. Based on the evidence outlined above, the variant was classified as likely pathogenic.

Baylor Genetics
Classification: Pathogenic for Phenylketonuria. Last evaluated: 2022-07-12. Review status: criteria provided, single submitter. Criteria: ACMG Guidelines, 2015. Collection method: clinical testing. Allele origin: unknown. Not counted in ClinVar's aggregate classification.

Department of Human Genetics, Hannover Medical School
Classification: Likely pathogenic for Phenylketonuria. Last evaluated: 2021-12-14. Review status: criteria provided, single submitter. Criteria: ACMG Guidelines, 2015. Collection method: clinical testing. Allele origin: germline. Inheritance: Autosomal recessive inheritance. Affected: yes. Not counted in ClinVar's aggregate classification.

GeneDx
Classification: Likely pathogenic. Last evaluated: 2020-10-19. Review status: criteria provided, single submitter. Criteria: GeneDx Variant Classification Process June 2021. Collection method: clinical testing. Allele origin: germline. Affected: yes. Not counted in ClinVar's aggregate classification.
Comment: Not observed at a significant frequency in large population cohorts (Lek et al., 2016); Missense variants in this gene are often considered pathogenic (Stenson et al., 2014); In silico analysis supports that this missense variant has a deleterious effect on protein structure/function; In-silico analysis, which includes splice predictors and evolutionary conservation, is inconclusive as to whether the variant alters gene splicing. In the absence of RNA/functional studies, the actual effect of this sequence change is unknown.; Reported in individuals with PAH deficiency, however additional clinical information and information about a second PAH variant were not provided (Hennermann et al., 2000; Tyfield et al., 1997; Guldberg et al., 1996); This variant is associated with the following publications: (PMID: 32668217, 10394930, 8659548, 9012412, 10679941, 17924342, 10203137, 12649065, 21504866, 7726156)

PreventionGenetics, part of Exact Sciences
Classification: Pathogenic for PAH-related condition. Last evaluated: 2023-11-02. Review status: no assertion criteria provided. Collection method: clinical testing. Allele origin: germline. Not counted in ClinVar's aggregate classification.
Comment: The PAH c.442G>A variant is predicted to result in the amino acid substitution p.Gly148Ser. This variant has been reported in studies of individuals with phenylalanine hydroxylase deficiency, in which additional genetic evidence was not provided (Tyfield et al. 1997. PubMed ID: 9012412; Güttler et al. 1999. PubMed ID: 10429004; Hennermann et al. 2000. PubMed ID: 10679941; Daniele et al. 2007. PubMed ID: 17096675). It has also been reported in the heterozygous state in patients with a second pathogenic, heterozygous variant; in two of the patients, the variants were confirmed to be in trans by haplotype analysis (Ramus et al. 1995. PubMed ID: 8535445; Table S3 in Hillert et al. 2020. PubMed ID: 32668217). Different missense substitutions of the same amino acid (p.Gly148Asp, p.Gly148Val) have been interpreted as likely pathogenic (see ClinVar IDs 872837 and 552657). Many other nearby substitutions have also been reported in patients with phenylalanine hydroxylase deficiency (for example, see p.Pro147SEr, p.Pro147Leu, p.Asp151His, p.Asp151Gly, p.Pro152Thr, p.Tyr154Asn, in the Human Gene Mutation Database at HGMD). This variant is reported in 0.0062% of alleles in individuals of African descent in gnomAD. It has been interpreted as likely pathogenic or pathogenic by multiple submitters to ClinVar, including the ClinGen Variant Curation Expert panel. In summary, this variant is interpreted as pathogenic.

Natera, Inc.
Classification: Uncertain significance for Phenylketonuria. Last evaluated: 2020-09-16. Review status: no assertion criteria provided. Collection method: clinical testing. Allele origin: germline. Not counted in ClinVar's aggregate classification.

DeBelle Laboratory for Biochemical Genetics, MUHC/MCH RESEARCH INSTITUTE
No classification provided. Review status: no classification provided. Collection method: not provided. Allele origin: not provided. Not counted in ClinVar's aggregate classification.

Literature cited by the submitters: PubMed 8659548 (cited by ClinGen PAH Variant Curation Expert Panel); PubMed 8535445 (cited by 3 submitters); PubMed 10679941 (cited by ClinGen PAH Variant Curation Expert Panel and Labcorp Genetics (formerly Invitae), Labcorp); PubMed 17096675 (cited by ClinGen PAH Variant Curation Expert Panel and Women's Health and Genetics/Laboratory Corporation of America, LabCorp); PubMed 7726156 (cited by Labcorp Genetics (formerly Invitae), Labcorp); PubMed 9012412 (cited by Labcorp Genetics (formerly Invitae), Labcorp); PubMed 10429004 (cited by Women's Health and Genetics/Laboratory Corporation of America, LabCorp); PubMed 32668217 (cited by Women's Health and Genetics/Laboratory Corporation of America, LabCorp).